The following is an entry in ClinVar:

ClinVar aggregate classification (germline): Uncertain significance (1 of 4 stars; one submission).

Allele frequency attached by ClinVar (database versions not stated): gnomAD exomes below 0.00001; ExAC 0.00001; gnomAD 0.00001; 1000 Genomes Project 30x 0.00016; 1000 Genomes Project 0.00020.
gnomAD v4.1: 2 of 1,614,232 alleles (0.00012%); highest among the groups gnomAD compares: Admixed American, 0.0033%; no homozygotes.

Submission:

Labcorp Genetics (formerly Invitae), Labcorp
Classification: Uncertain significance. Last evaluated: 2020-09-23. Review status: criteria provided, single submitter. Criteria: Invitae Variant Classification Sherloc (09022015). Collection method: clinical testing. Allele origin: germline.
Comment: In summary, the available evidence is currently insufficient to determine the role of this variant in disease. Therefore, it has been classified as a Variant of Uncertain Significance. Algorithms developed to predict the effect of missense changes on protein structure and function are either unavailable or do not agree on the potential impact of this missense change (SIFT: "Deleterious"; PolyPhen-2: "Not Available"; Align-GVGD: "Class C0"). This variant has not been reported in the literature in individuals with PDZD7-related conditions. This variant is present in population databases (rs578119372, ExAC 0.009%). This sequence change replaces glycine with glutamic acid at codon 475 of the PDZD7 protein (p.Gly475Glu). The glycine residue is weakly conserved and there is a moderate physicochemical difference between glycine and glutamic acid.

NM_001195263.2(PDZD7):c.1424G>A (p.Gly475Glu)

Gene: PDZD7 (PDZ domain containing 7; minus strand). Cytogenetic location: 10q24.31.
Variant type: single nucleotide variant.
Coding change: c.1424G>A on transcript NM_001195263.2 (MANE Select); coding-DNA position 1424, G replaced by A.
Protein change: p.Gly475Glu; replaces glycine 475 with glutamic acid.
Molecular consequence: missense variant. On other transcripts: synonymous variant (1).
Genome position (GRCh38, 1-based): chr10:101,018,197, C>T on the plus strand (G>A on the coding strand, the complement: PDZD7 is on the minus strand). VCF-style: chr10-101018197-C-T. GRCh37 (hg19) VCF-style: chr10-102777954-C-T.
Other names: c.1452G>A, p.Arg484= (NM_001351044.2); c.1424G>A, p.Gly475Glu (NM_024895.5); short protein forms G475E.
Identifiers: ClinVar variation 1039400 (VCV001039400.9), dbSNP rs578119372, ClinGen allele CA5654090.
Genomic context (GRCh38, chr10:101,018,197, plus strand): 5'-CTCCCGCTGTCCAGTGTCCAGGCCTCTCTGCGCCCGTCCCGCGCTAGCCTCCCCTGCCGC[C>T]CTCCCTTGAAGAAGAGGTTCATCAGCGTCTTGGAGCGCTGCAGGGCACCCTTCTCCCCAG-3'
Protein context (NP_001182192.1, residues 465-485): KTLMNLFFKG[Gly475Glu]RQGRLARDGR